The following is an entry in ClinVar:

NM_152383.5(DIS3L2):c.1825C>T (p.Arg609Trp)

Gene: DIS3L2 (DIS3 like 3'-5' exoribonuclease 2; plus strand). Cytogenetic location: 2q37.1.
Variant type: single nucleotide variant.
Coding change: c.1825C>T on transcript NM_152383.5 (MANE Select); coding-DNA position 1825, C replaced by T.
Protein change: p.Arg609Trp; replaces arginine 609 with tryptophan.
Molecular consequence: missense variant. On other transcripts: non-coding transcript variant (2), intron variant (1).
Genome position (GRCh38, 1-based): chr2:232,329,898, C>T. VCF-style: chr2-232329898-C-T. GRCh37 (hg19) VCF-style: chr2-233194608-C-T.
Other names: c.1582-13447C>T (NM_001257281.2); short protein forms R609W.
Identifiers: ClinVar variation 463078 (VCV000463078.13), dbSNP rs370822831, ClinGen allele CA2164279.

ClinVar aggregate classification (germline): Uncertain significance. Review status: criteria provided, multiple submitters, no conflicts (2 of 4 stars). 2 submissions from 2 submitters: Uncertain significance (2). Last evaluated 2025-05-12.

Conditions:
Perlman syndrome (PRLMNS). Identifiers: Orphanet 2849, MedGen C0796113, MONDO:0009965, OMIM 267000.

Allele frequency attached by ClinVar (database versions not stated): gnomAD 0.00002 and 0.00003; TOPMed 0.00002; gnomAD exomes 0.00005 and 0.00008; ESP Exome Variant Server 0.00008; ExAC 0.00013; 1000 Genomes Project 0.00020.
gnomAD v4.1: 71 of 1,612,486 alleles (0.0044%); highest among the groups gnomAD compares: Admixed American, 0.005%; no homozygotes.

Submissions (2):

Labcorp Genetics (formerly Invitae), Labcorp
Classification: Uncertain significance for Perlman syndrome. Last evaluated: 2025-05-12. Review status: criteria provided, single submitter. Criteria: Invitae Variant Classification Sherloc (09022015). Collection method: clinical testing. Allele origin: germline.
Comment: This sequence change replaces arginine, which is basic and polar, with tryptophan, which is neutral and slightly polar, at codon 609 of the DIS3L2 protein (p.Arg609Trp). This variant is present in population databases (rs370822831, gnomAD 0.02%). This variant has not been reported in the literature in individuals affected with DIS3L2-related conditions. ClinVar contains an entry for this variant (Variation ID: 463078). Invitae Evidence Modeling of protein sequence and biophysical properties (such as structural, functional, and spatial information, amino acid conservation, physicochemical variation, residue mobility, and thermodynamic stability) indicates that this missense variant is expected to disrupt DIS3L2 protein function with a positive predictive value of 80%. In summary, the available evidence is currently insufficient to determine the role of this variant in disease. Therefore, it has been classified as a Variant of Uncertain Significance.

Illumina Laboratory Services, Illumina
Classification: Uncertain significance for Perlman syndrome. Last evaluated: 2018-01-12. Review status: criteria provided, single submitter. Criteria: ICSL Variant Classification Criteria 13 December 2019. Collection method: clinical testing. Allele origin: germline.